The following is an entry in ClinVar:

NM_001113378.2(FANCI):c.716C>T (p.Ala239Val)

Gene: FANCI (FA complementation group I; plus strand). Cytogenetic location: 15q26.1.
Variant type: single nucleotide variant.
Coding change: c.716C>T on transcript NM_001113378.2 (MANE Select); coding-DNA position 716, C replaced by T.
Protein change: p.Ala239Val; replaces alanine 239 with valine.
Molecular consequence: missense variant.
Genome position (GRCh38, 1-based): chr15:89,264,568, C>T. VCF-style: chr15-89264568-C-T. GRCh37 (hg19) VCF-style: chr15-89807799-C-T.
Other names: c.716C>T (NM_001113378.1); c.437C>T, p.Ala146Val (NM_001376910.1); c.716C>T, p.Ala239Val (NM_001376911.1, NM_018193.3); short protein forms A146V, A239V.
Identifiers: ClinVar variation 1439567 (VCV001439567.8), dbSNP rs749779839, ClinGen allele CA7722734.
Genomic context (GRCh38, chr15:89,264,568, plus strand): 5'-TGTATTGTTTTCAGGGAAGCAGAAAGAGTGTTTTGGAAGGAATCATAGCCTTCTTCAGTG[C>T]ACTAGATAAGCAGCACAATGAGGAACAGAGTGGTGACGAGTGAGTAATATAGTGTAGAAA-3'
Protein context (NP_001106849.1, residues 229-249): VLEGIIAFFS[Ala239Val]LDKQHNEEQS

ClinVar aggregate classification (germline): Uncertain significance. Review status: criteria provided, multiple submitters, no conflicts (2 of 4 stars). 4 submissions from 4 submitters: Uncertain significance (4). Last evaluated 2023-02-23.

Conditions:
Fanconi anemia complementation group I (FANCI). Also called: FANCI-Related Fanconi Anemia. Identifiers: Orphanet 84, MedGen C1836861, MONDO:0012186, OMIM 609053.
Inborn genetic diseases. Identifiers: MedGen C0950123, MeSH D030342.
Fanconi anemia (FA). Also called: Fanconi's anemia. Identifiers: Orphanet 84, MedGen C0015625, MeSH D005199, MONDO:0019391.

Allele frequency attached by ClinVar (database versions not stated): gnomAD exomes below 0.00001; ExAC 0.00001; gnomAD 0.00001; TOPMed 0.00001.
gnomAD v4.1: 3 of 1,613,708 alleles (0.00019%); highest among the groups gnomAD compares: Admixed American, 0.0017%; no homozygotes.

Submissions (4):

Ambry Genetics
Classification: Uncertain significance for Inborn genetic diseases. Last evaluated: 2023-02-23. Review status: criteria provided, single submitter. Criteria: Ambry Variant Classification Scheme 2023. Collection method: clinical testing. Allele origin: germline.

Labcorp Genetics (formerly Invitae), Labcorp
Classification: Uncertain significance for Fanconi anemia. Last evaluated: 2022-03-26. Review status: criteria provided, single submitter. Criteria: Invitae Variant Classification Sherloc (09022015). Collection method: clinical testing. Allele origin: germline.
Comment: This sequence change replaces alanine, which is neutral and non-polar, with valine, which is neutral and non-polar, at codon 239 of the FANCI protein (p.Ala239Val). This variant is present in population databases (rs749779839, gnomAD 0.0009%). This variant has not been reported in the literature in individuals affected with FANCI-related conditions. Algorithms developed to predict the effect of missense changes on protein structure and function (SIFT, PolyPhen-2, Align-GVGD) all suggest that this variant is likely to be tolerated. In summary, the available evidence is currently insufficient to determine the role of this variant in disease. Therefore, it has been classified as a Variant of Uncertain Significance.

Fulgent Genetics
Classification: Uncertain significance for Fanconi anemia complementation group I. Last evaluated: 2022-02-02. Review status: criteria provided, single submitter. Criteria: ACMG Guidelines, 2015. Collection method: clinical testing. Allele origin: unknown.

Breakthrough Genomics
Classification: Uncertain significance. Review status: criteria provided, single submitter. Criteria: ACMG Guidelines, 2015. Collection method: not provided. Allele origin: germline. Inheritance: Autosomal recessive inheritance. Affected: yes.